The following is an entry in ClinVar:

NM_001037.5(SCN1B):c.346T>G (p.Ser116Ala)

Gene: SCN1B (sodium voltage-gated channel beta subunit 1; plus strand). Cytogenetic location: 19q13.11.
Variant type: single nucleotide variant.
Coding change: c.346T>G on transcript NM_001037.5 (MANE Select); coding-DNA position 346, T replaced by G.
Protein change: p.Ser116Ala; replaces serine 116 with alanine.
Molecular consequence: missense variant.
Genome position (GRCh38, 1-based): chr19:35,033,637, T>G. VCF-style: chr19-35033637-T-G. GRCh37 (hg19) VCF-style: chr19-35524541-T-G.
Other names: c.247T>G, p.Ser83Ala (NM_001321605.2); c.346T>G, p.Ser116Ala (NM_199037.5); short protein forms S116A, S83A.
Identifiers: ClinVar variation 1731728 (VCV001731728.2), dbSNP rs2514234536, ClinGen allele CA405328834.

ClinVar aggregate classification (germline): Uncertain significance (1 of 4 stars; one submission).

Conditions:
Cardiovascular phenotype. Identifiers: MedGen CN230736.

Submission:

Ambry Genetics
Classification: Uncertain significance for Cardiovascular phenotype. Last evaluated: 2022-08-08. Review status: criteria provided, single submitter. Criteria: Ambry Variant Classification Scheme 2023. Collection method: clinical testing. Allele origin: germline.
Comment: The p.S116A variant (also known as c.346T>G), located in coding exon 3 of the SCN1B gene, results from a T to G substitution at nucleotide position 346. The serine at codon 116 is replaced by alanine, an amino acid with similar properties. This amino acid position is conserved. In addition, this alteration is predicted to be tolerated by in silico analysis. Since supporting evidence is limited at this time, the clinical significance of this alteration remains unclear.